The following is an entry in ClinVar:

ClinVar aggregate classification (germline): Uncertain significance (1 of 4 stars; one submission).

Allele frequency attached by ClinVar (database versions not stated): TOPMed below 0.00001.

Submission:

Ambry Genetics
Classification: Uncertain significance. Last evaluated: 2024-01-28. Review status: criteria provided, single submitter. Criteria: Ambry Variant Classification Scheme 2023. Collection method: clinical testing. Allele origin: germline.
Comment: The p.Q1453H variant (also known as c.4359A>C), located in coding exon 4 of the ALPK2 gene, results from an A to C substitution at nucleotide position 4359. The glutamine at codon 1453 is replaced by histidine, an amino acid with highly similar properties. This amino acid position is conserved. In addition, this alteration is predicted to be tolerated by in silico analysis. Based on the available evidence, the clinical significance of this alteration remains unclear.

NM_052947.4(ALPK2):c.4359A>C (p.Gln1453His)

Genes: ALPK2 (alpha kinase 2; minus strand), LOC126862764 (BRD4-independent group 4 enhancer GRCh37_chr18:56202574-56203773; plus strand). Cytogenetic location: 18q21.31.
Variant type: single nucleotide variant.
Coding change: c.4359A>C on transcript NM_052947.4 (MANE Select); coding-DNA position 4359, A replaced by C.
Protein change: p.Gln1453His; replaces glutamine 1453 with histidine.
Molecular consequence: missense variant.
Genome position (GRCh38, 1-based): chr18:58,535,828, T>G on the plus strand (A>C on the coding strand, the complement: ALPK2 is on the minus strand). VCF-style: chr18-58535828-T-G. GRCh37 (hg19) VCF-style: chr18-56203060-T-G.
Other names: short protein forms Q1453H.
Identifiers: ClinVar variation 3228737 (VCV003228737.1), dbSNP rs2051642643, ClinGen allele CA402563000.
Genomic context (GRCh38, chr18:58,535,828, plus strand): 5'-GCCTTCTTGGCTTCTGCTGATTCTATTTTCACTCAGAATGGTTCCCTGGAGACATGGAAC[T>G]TGCAAAATGGCCGGCTGGATTTCCGCTTCGTGGCCCATGTTTCCGTCATTTGATTGACCC-3'
Protein context (NP_443179.3, residues 1443-1463): HEAEIQPAIL[Gln1453His]VPCLQGTILS